The following is an entry in ClinVar:

ClinVar aggregate classification (germline): Likely pathogenic (1 of 4 stars; one submission).

gnomAD v4.1: 4 of 1,613,010 alleles (0.00025%); highest among the groups gnomAD compares: Admixed American, 0.0067%; no homozygotes.

Submission:

Labcorp Genetics (formerly Invitae), Labcorp
Classification: Likely pathogenic. Last evaluated: 2026-01-13. Review status: criteria provided, single submitter. Criteria: Invitae Variant Classification Sherloc (09022015). Collection method: clinical testing. Allele origin: germline.
Comment: This sequence change affects an acceptor splice site in intron 10 of the SLC2A9 gene. It is expected to disrupt RNA splicing. Variants that disrupt the donor or acceptor splice site typically lead to a loss of protein function (PMID: 16199547), and loss-of-function variants in SLC2A9 are known to be pathogenic (PMID: 19926891, 21256783, 21536615, 24628802). This variant is present in population databases (rs754737688, gnomAD 0.006%). This variant has not been reported in the literature in individuals affected with SLC2A9-related conditions. Algorithms developed to predict the effect of sequence changes on RNA splicing suggest that this variant may disrupt the consensus splice site. In summary, the currently available evidence indicates that the variant is pathogenic, but additional data are needed to prove that conclusively. Therefore, this variant has been classified as Likely Pathogenic.

Literature cited by the submitters: PubMed 16199547; PubMed 19926891; PubMed 21256783; PubMed 21536615; PubMed 24628802.

NM_020041.3(SLC2A9):c.1292-2A>T

Gene: SLC2A9 (solute carrier family 2 member 9; minus strand). Cytogenetic location: 4p16.1.
Variant type: single nucleotide variant.
Coding change: c.1292-2A>T on transcript NM_020041.3 (MANE Select); the canonical splice acceptor site of the intron before coding-DNA position 1292, A replaced by T.
Molecular consequence: splice acceptor variant.
Genome position (GRCh38, 1-based): chr4:9,835,010, T>A on the plus strand (A>T on the coding strand, the complement: SLC2A9 is on the minus strand). VCF-style: chr4-9835010-T-A. GRCh37 (hg19) VCF-style: chr4-9836634-T-A.
Other names: c.1205-2A>T (NM_001001290.2).
Identifiers: ClinVar variation 4697034 (VCV004697034.1).
Genomic context (GRCh38, chr4:9,835,010, plus strand): 5'-GGCAGCCGGCCGCTGAGATTGCTGGAAGAACTCACCAGTCAAGATGAACGGGATGCCACC[T>A]GCAGTGTGTGAGCCAGGACATGGAATTAATCACTCTGAGAAGGTCATGCCTCCAGCATCC-3'